The following is an entry in ClinVar:

NM_001458.5(FLNC):c.5278G>A (p.Gly1760Ser)

Gene: FLNC (filamin C; plus strand). Cytogenetic location: 7q32.1.
Variant type: single nucleotide variant.
Coding change: c.5278G>A on transcript NM_001458.5 (MANE Select); coding-DNA position 5278, G replaced by A.
Protein change: p.Gly1760Ser; replaces glycine 1760 with serine.
Molecular consequence: missense variant. On other transcripts: intron variant (1).
Genome position (GRCh38, 1-based): chr7:128,850,054, G>A. VCF-style: chr7-128850054-G-A. GRCh37 (hg19) VCF-style: chr7-128490108-G-A.
Other names: c.5200-330G>A (NM_001127487.2); short protein forms G1760S.
Identifiers: ClinVar variation 472098 (VCV000472098.24), dbSNP rs150986092, ClinGen allele CA4475624.

ClinVar aggregate classification (germline): Conflicting classifications of pathogenicity. Review status: criteria provided, conflicting classifications (1 of 4 stars). 8 submissions from 8 submitters: Uncertain significance (4); Likely benign (2). 2 of the submissions do not count toward it. Last evaluated 2026-02-15.

Conditions:
Myofibrillar myopathy 5. Also called: FILAMINOPATHY, AUTOSOMAL DOMINANT; Filaminopathy (type). Identifiers: Orphanet 171445, MedGen C1836050, MONDO:0012289, OMIM 609524.
Hypertrophic cardiomyopathy 26. Also called: Cardiomyopathy, familial hypertrophic, 26. Identifiers: Orphanet 75249, MedGen C4310749, MONDO:0014883, OMIM 617047.
Distal myopathy with posterior leg and anterior hand involvement. Also called: WILLIAMS DISTAL MYOPATHY. Identifiers: Orphanet 63273, MedGen C3279722, MONDO:0013550, OMIM 614065.
FLNC-related disorder. Also called: FLNC-related disorders; FLNC-related condition.
Cardiovascular phenotype. Identifiers: MedGen CN230736.

Allele frequency attached by ClinVar (database versions not stated): gnomAD 0.00002 and 0.00011; ESP Exome Variant Server 0.00008; gnomAD exomes 0.00009 and 0.00019; TOPMed 0.00009; 1000 Genomes Project 30x 0.00031; ExAC 0.00033; 1000 Genomes Project 0.00040.
gnomAD v4.1: 159 of 1,542,792 alleles (0.01%); highest among the groups gnomAD compares: East Asian, 0.1%; no homozygotes.

Submissions (8):

PreventionGenetics, part of Exact Sciences
Classification: Uncertain significance for FLNC-related condition. Last evaluated: 2026-02-15. Review status: criteria provided, single submitter. Criteria: ACMG Guidelines, 2015. Collection method: clinical testing. Allele origin: germline.
Comment: The FLNC c.5278G>A variant is predicted to result in the amino acid substitution p.Gly1760Ser. This variant is reported in 0.071% of alleles in individuals of East Asian descent in gnomAD which is more frequent than known pathogenic/likely pathogenic variants in this gene. Although we suspect that this variant may be benign, at this time, the clinical significance of this variant is uncertain due to the absence of conclusive functional and genetic evidence.

Labcorp Genetics (formerly Invitae), Labcorp
Classification: Uncertain significance for Distal myopathy with posterior leg and anterior hand involvement; Myofibrillar myopathy 5; Hypertrophic cardiomyopathy 26. Last evaluated: 2025-12-17. Review status: criteria provided, single submitter. Criteria: Invitae Variant Classification Sherloc (09022015). Collection method: clinical testing. Allele origin: germline.
Comment: This sequence change replaces glycine, which is neutral and non-polar, with serine, which is neutral and polar, at codon 1760 of the FLNC protein (p.Gly1760Ser). This variant is present in population databases (rs150986092, gnomAD 0.07%), and has an allele count higher than expected for a pathogenic variant. This missense change has been observed in individual(s) with FLNC-related conditions (PMID: 28403181, 30411535, 30418145, 33250842). ClinVar contains an entry for this variant (Variation ID: 472098). An algorithm developed to predict the effect of missense changes on protein structure and function outputs the following: PolyPhen-2: "Benign". The serine amino acid residue is found in multiple mammalian species, which suggests that this missense change does not adversely affect protein function. In summary, the available evidence is currently insufficient to determine the role of this variant in disease. Therefore, it has been classified as a Variant of Uncertain Significance.

Blueprint Genetics
Classification: Likely benign. Last evaluated: 2024-11-22. Review status: criteria provided, single submitter. Criteria: ACMG Guidelines, 2015. Collection method: clinical testing. Allele origin: germline.

Fulgent Genetics
Classification: Uncertain significance for Myofibrillar myopathy 5; Distal myopathy with posterior leg and anterior hand involvement; Hypertrophic cardiomyopathy 26. Last evaluated: 2021-08-20. Review status: criteria provided, single submitter. Criteria: ACMG Guidelines, 2015. Collection method: clinical testing. Allele origin: unknown.

GeneDx
Classification: Uncertain significance. Last evaluated: 2020-05-07. Review status: criteria provided, single submitter. Criteria: GeneDx Variant Classification Process June 2021. Collection method: clinical testing. Allele origin: germline. Affected: yes.
Comment: Reported in a patient with limb-girdle muscular dystrophy and a patient with HCM (Yu et al., 2017; Cui et al., 2018); Reported in ClinVar as a variant of uncertain significance (ClinVar Variant ID# 472098; Landrum et al., 2016); In silico analysis supports that this missense variant does not alter protein structure/function; This variant is associated with the following publications: (PMID: 30411535, 28403181)

Ambry Genetics
Classification: Likely benign for Cardiovascular phenotype. Last evaluated: 2019-12-23. Review status: criteria provided, single submitter. Criteria: Ambry Variant Classification Scheme 2023. Collection method: clinical testing. Allele origin: germline.

Clinical Genetics DNA and cytogenetics Diagnostics Lab, Erasmus MC, Erasmus Medical Center
Classification: Uncertain significance. Review status: no assertion criteria provided. Collection method: clinical testing. Allele origin: germline. Affected: yes. Study: VKGL Data-share Consensus. Not counted in ClinVar's aggregate classification.

Clinical Genetics, Academic Medical Center
Classification: Uncertain significance. Review status: no assertion criteria provided. Collection method: clinical testing. Allele origin: germline. Affected: yes. Study: VKGL Data-share Consensus. Not counted in ClinVar's aggregate classification.

Literature cited by the submitters: PubMed 28403181 (cited by Labcorp Genetics (formerly Invitae), Labcorp and Ambry Genetics); PubMed 30411535 (cited by Labcorp Genetics (formerly Invitae), Labcorp and Ambry Genetics); PubMed 30418145 (cited by Labcorp Genetics (formerly Invitae), Labcorp); PubMed 33250842 (cited by Labcorp Genetics (formerly Invitae), Labcorp).